The following is an entry in ClinVar:

NM_001378452.1(ITPR1):c.5662A>G (p.Ser1888Gly)

Gene: ITPR1 (inositol 1,4,5-trisphosphate receptor type 1; plus strand). Cytogenetic location: 3p26.1.
Variant type: single nucleotide variant.
Coding change: c.5662A>G on transcript NM_001378452.1 (MANE Select); coding-DNA position 5662, A replaced by G.
Protein change: p.Ser1888Gly; replaces serine 1888 with glycine.
Molecular consequence: missense variant.
Genome position (GRCh38, 1-based): chr3:4,766,647, A>G. VCF-style: chr3-4766647-A-G. GRCh37 (hg19) VCF-style: chr3-4808331-A-G.
Other names: c.5518A>G, p.Ser1840Gly (NM_001099952.4); c.5617A>G, p.Ser1873Gly (NM_001168272.2); c.5473A>G, p.Ser1825Gly (NM_002222.7); short protein forms S1840G, S1825G, S1873G, S1888G.
Identifiers: ClinVar variation 3571715 (VCV003571715.1).

ClinVar aggregate classification (germline): Uncertain significance (1 of 4 stars; one submission).

Submission:

Athena Diagnostics
Classification: Uncertain significance. Last evaluated: 2024-08-26. Review status: criteria provided, single submitter. Criteria: Athena Diagnostics Criteria. Collection method: clinical testing. Allele origin: unknown.
Comment: Available data are insufficient to determine the clinical significance of the variant at this time. This variant has not been reported in large, multi-ethnic general populations. Polyphen and MutationTaster predict this amino acid change may be benign.